The following is an entry in ClinVar:

ClinVar aggregate classification (germline): Uncertain significance. Review status: criteria provided, multiple submitters, no conflicts (2 of 4 stars). 2 submissions from 2 submitters: Uncertain significance (2). Last evaluated 2025-11-26.

Conditions:
Emery-Dreifuss muscular dystrophy 5, autosomal dominant (EDMD5). Also called: EMERY-DREIFUSS MUSCULAR DYSTROPHY 5. Identifiers: Orphanet 261, MedGen C2751805, MONDO:0013072, OMIM 612999.

Submissions (2):

Ambry Genetics
Classification: Uncertain significance. Last evaluated: 2025-11-26. Review status: criteria provided, single submitter. Criteria: Ambry Variant Classification Scheme 2023. Collection method: clinical testing. Allele origin: germline.

Labcorp Genetics (formerly Invitae), Labcorp
Classification: Uncertain significance for Emery-Dreifuss muscular dystrophy 5, autosomal dominant. Last evaluated: 2022-08-16. Review status: criteria provided, single submitter. Criteria: Invitae Variant Classification Sherloc (09022015). Collection method: clinical testing. Allele origin: germline.
Comment: This sequence change replaces phenylalanine, which is neutral and non-polar, with leucine, which is neutral and non-polar, at codon 525 of the SYNE2 protein (p.Phe525Leu). This variant is not present in population databases (gnomAD no frequency). This variant has not been reported in the literature in individuals affected with SYNE2-related conditions. Algorithms developed to predict the effect of missense changes on protein structure and function are either unavailable or do not agree on the potential impact of this missense change (SIFT: "Deleterious"; PolyPhen-2: "Probably Damaging"; Align-GVGD: "Class C0"). In summary, the available evidence is currently insufficient to determine the role of this variant in disease. Therefore, it has been classified as a Variant of Uncertain Significance.

NM_182914.3(SYNE2):c.1573T>C (p.Phe525Leu)

Gene: SYNE2 (spectrin repeat containing nuclear envelope protein 2; plus strand). Cytogenetic location: 14q23.2.
Variant type: single nucleotide variant.
Coding change: c.1573T>C on transcript NM_182914.3 (MANE Select); coding-DNA position 1573, T replaced by C.
Protein change: p.Phe525Leu; replaces phenylalanine 525 with leucine.
Molecular consequence: missense variant.
Genome position (GRCh38, 1-based): chr14:63,980,657, T>C. VCF-style: chr14-63980657-T-C. GRCh37 (hg19) VCF-style: chr14-64447375-T-C.
Other names: c.1573T>C (NM_182914.2); c.1573T>C, p.Phe525Leu (NM_015180.6); short protein forms F525L.
Identifiers: ClinVar variation 1950897 (VCV001950897.6), dbSNP rs984867851, ClinGen allele CA261827294.